The following is an entry in ClinVar:

NM_015046.7(SETX):c.6464T>G (p.Leu2155Trp)

Gene: SETX (senataxin; minus strand). Cytogenetic location: 9q34.13.
Variant type: single nucleotide variant.
Coding change: c.6464T>G on transcript NM_015046.7 (MANE Select); coding-DNA position 6464, T replaced by G.
Protein change: p.Leu2155Trp; replaces leucine 2155 with tryptophan.
Molecular consequence: missense variant.
Genome position (GRCh38, 1-based): chr9:132,283,346, A>C on the plus strand (T>G on the coding strand, the complement: SETX is on the minus strand). VCF-style: chr9-132283346-A-C. GRCh37 (hg19) VCF-style: chr9-135158733-A-C.
Other names: c.6464T>G, p.Leu2155Trp (NM_001351527.2, NM_001351528.2); c.6464T>G (NM_015046.5); short protein forms L2155W.
Identifiers: ClinVar variation 807686 (VCV000807686.11), dbSNP rs1473613373, ClinGen allele CA375335489.

ClinVar aggregate classification (germline): Conflicting classifications of pathogenicity. Review status: criteria provided, conflicting classifications (1 of 4 stars). 3 submissions from 3 submitters: Pathogenic (1); Likely pathogenic (1); Uncertain significance (1). Last evaluated 2024-03-20.

Conditions:
Spinocerebellar ataxia, autosomal recessive, with axonal neuropathy 2 (SCAN2). Also called: Ataxia-ocular apraxia-2; Ataxia with Oculomotor Apraxia; Ataxia with Oculomotor Apraxia Type 2; ATAXIA-OCULOMOTOR APRAXIA 2. Identifiers: Orphanet 64753, MedGen C1853761, MONDO:0018996, OMIM 606002.
Amyotrophic lateral sclerosis type 4 (ALS4). Also called: NEURONOPATHY, DISTAL HEREDITARY MOTOR, WITH PYRAMIDAL FEATURES; AMYOTROPHIC LATERAL SCLEROSIS 4, JUVENILE. Identifiers: Orphanet 357043, MedGen C1865409, MONDO:0011223, OMIM 602433.

gnomAD v4.1: 1 of 1,614,196 alleles (0.000062%); highest among the groups gnomAD compares: Non-Finnish European, 0.000085%; no homozygotes.

Submissions (3):

Labcorp Genetics (formerly Invitae), Labcorp
Classification: Uncertain significance for Amyotrophic lateral sclerosis type 4; Spinocerebellar ataxia, autosomal recessive, with axonal neuropathy 2. Last evaluated: 2024-03-20. Review status: criteria provided, single submitter. Criteria: Invitae Variant Classification Sherloc (09022015). Collection method: clinical testing. Allele origin: germline.
Comment: This sequence change replaces leucine, which is neutral and non-polar, with tryptophan, which is neutral and slightly polar, at codon 2155 of the SETX protein (p.Leu2155Trp). This variant is not present in population databases (gnomAD no frequency). This missense change has been observed in individual(s) with SETX-related conditions (PMID: 19569000, 33098801, 35872528). ClinVar contains an entry for this variant (Variation ID: 807686). Advanced modeling of protein sequence and biophysical properties (such as structural, functional, and spatial information, amino acid conservation, physicochemical variation, residue mobility, and thermodynamic stability) has been performed at Invitae for this missense variant, however the output from this modeling did not meet the statistical confidence thresholds required to predict the impact of this variant on SETX protein function. Experimental studies have shown that this missense change affects SETX function (PMID: 25116135). In summary, the available evidence is currently insufficient to determine the role of this variant in disease. Therefore, it has been classified as a Variant of Uncertain Significance.

GeneDx
Classification: Likely pathogenic. Last evaluated: 2022-11-29. Review status: criteria provided, single submitter. Criteria: GeneDx Variant Classification Process June 2021. Collection method: clinical testing. Allele origin: germline. Affected: yes.
Comment: Reported previously in patients with oculomotor apraxia type 2 and dystonia and seen with a second variant in both cases; however, segregation information was not provided so phase was unknown (Bernard et al., 2008; Zech et al., 2020); Published functional studies demonstrate that this variant negatively affects SETX function (Chen et al., 2014); Not observed at significant frequency in large population cohorts (gnomAD); In silico analysis supports that this missense variant has a deleterious effect on protein structure/function; This variant is associated with the following publications: (PMID: 35872528, 23129421, 25116135, 33098801, 19569000)

Institute of Human Genetics Munich, TUM University Hospital
Classification: Pathogenic for Spinocerebellar ataxia, autosomal recessive, with axonal neuropathy 2. Last evaluated: 2019-05-07. Review status: criteria provided, single submitter. Criteria: Classification criteria August 2017. Collection method: clinical testing. Allele origin: germline. Inheritance: Autosomal recessive inheritance. Affected: yes. Observed: 1 compound heterozygote.

Literature cited by the submitters: PubMed 19569000 (cited by Labcorp Genetics (formerly Invitae), Labcorp); PubMed 33098801 (cited by Labcorp Genetics (formerly Invitae), Labcorp); PubMed 35872528 (cited by Labcorp Genetics (formerly Invitae), Labcorp); PubMed 25116135 (cited by Labcorp Genetics (formerly Invitae), Labcorp).